The following is an entry in ClinVar:

ClinVar aggregate classification (germline): Uncertain significance (1 of 4 stars; one submission).

Conditions:
Werner syndrome (WRN). Identifiers: Orphanet 902, MedGen C0043119, MONDO:0010196, OMIM 277700.

Submission:

Labcorp Genetics (formerly Invitae), Labcorp
Classification: Uncertain significance for Werner syndrome. Last evaluated: 2022-09-06. Review status: criteria provided, single submitter. Criteria: Invitae Variant Classification Sherloc (09022015). Collection method: clinical testing. Allele origin: germline.
Comment: In summary, the available evidence is currently insufficient to determine the role of this variant in disease. Therefore, it has been classified as a Variant of Uncertain Significance. Algorithms developed to predict the effect of sequence changes on RNA splicing suggest that this variant may disrupt the consensus splice site. Algorithms developed to predict the effect of missense changes on protein structure and function are either unavailable or do not agree on the potential impact of this missense change (SIFT: "Not Available"; PolyPhen-2: "Benign"; Align-GVGD: "Not Available"). This variant has not been reported in the literature in individuals affected with WRN-related conditions. This variant is not present in population databases (gnomAD no frequency). This sequence change replaces aspartic acid, which is acidic and polar, with glycine, which is neutral and non-polar, at codon 844 of the WRN protein (p.Asp844Gly).

NM_000553.6(WRN):c.2531A>G (p.Asp844Gly)

Gene: WRN (WRN RecQ like helicase; plus strand). Cytogenetic location: 8p12.
Variant type: single nucleotide variant.
Coding change: c.2531A>G on transcript NM_000553.6 (MANE Select); coding-DNA position 2531, A replaced by G.
Protein change: p.Asp844Gly; replaces aspartic acid 844 with glycine.
Molecular consequence: missense variant.
Genome position (GRCh38, 1-based): chr8:31,120,325, A>G. VCF-style: chr8-31120325-A-G. GRCh37 (hg19) VCF-style: chr8-30977841-A-G.
Other names: short protein forms D844G.
Identifiers: ClinVar variation 1718959 (VCV001718959.5), dbSNP rs2535986579, ClinGen allele CA370915451.